The following is an entry in ClinVar:

NM_000642.3(AGL):c.1788T>A (p.Tyr596Ter)

Gene: AGL (amylo-alpha-1,6-glucosidase and 4-alpha-glucanotransferase; plus strand). Cytogenetic location: 1p21.2.
Variant type: single nucleotide variant.
Coding change: c.1788T>A on transcript NM_000642.3 (MANE Select); coding-DNA position 1788, T replaced by A.
Protein change: p.Tyr596Ter; replaces tyrosine 596 with a stop codon.
Molecular consequence: nonsense.
Genome position (GRCh38, 1-based): chr1:99,880,684, T>A. VCF-style: chr1-99880684-T-A. GRCh37 (hg19) VCF-style: chr1-100346240-T-A.
Other names: c.1788T>A, p.Tyr596Ter (NM_000028.3, NM_000643.3, NM_000644.3 and 2 more transcripts); c.1740T>A, p.Tyr580Ter (NM_000646.3); c.1587T>A, p.Tyr529Ter (NM_001425327.1); c.1584T>A, p.Tyr528Ter (NM_001425328.1, NM_001425329.1); c.1410T>A, p.Tyr470Ter (NM_001425332.1); short protein forms Y470*, Y528*, Y529*, Y580*, Y596*.
Identifiers: ClinVar variation 3236358 (VCV003236358.1), dbSNP rs777871903, ClinGen allele CA341316501.
Genomic context (GRCh38, chr1:99,880,684, plus strand): 5'-CTCTGCAGAGGCAATGAGTGCATATAATAGTCATGAAGAGGGCAGATTAGTTTACCGATA[T>A]GGAGGAGAACCTGTTGGATCCTTTGTTCAGCCCTGTTTGAGGCCTTTAATGCCAGCTATT-3'

ClinVar aggregate classification (germline): Pathogenic (1 of 4 stars; one submission).

Conditions:
Glycogen storage disease type III (GSD3). Also called: Cori disease; FORBES DISEASE. Identifiers: Orphanet 366, MedGen C0017922, MONDO:0009291, OMIM 232400.

Submission:

MVZ Medizinische Genetik Mainz
Classification: Pathogenic for Glycogen storage disease type III. Last evaluated: 2024-03-18. Review status: criteria provided, single submitter. Criteria: UK Practice Guidelines For Variant Classification V4 01 2020. Collection method: clinical testing. Allele origin: germline. Inheritance: Autosomal recessive inheritance. Affected: yes. Observed: 1 variant allele.
Comment: ACMG Criteria: PVS1,PM3,PM2_SUP